The following is an entry in ClinVar:

NM_000504.4(F10):c.162_163del (p.Glu56fs)

Genes: F10 (coagulation factor X; plus strand), F10-AS1 (F10 antisense RNA 1; minus strand). Cytogenetic location: 13q34.
Variant type: Deletion.
Coding change: c.162_163del on transcript NM_000504.4 (MANE Select); coding-DNA positions 162 to 163, 2 bases deleted (AA; older notation c.162_163delAA).
Protein change: p.Glu56fs; shifts the reading frame from glutamic acid 56.
Molecular consequence: frameshift variant.
Genome position (GRCh38, 1-based): chr13:113,129,543-113,129,544, AA deleted; deleting any 2 consecutive bases within chr13:113,129,542-113,129,544 gives the same sequence; the c. name uses the placement nearest the transcript's 3' end. VCF-style (leftmost placement, unchanged base first): chr13-113129541-GAA-G. GRCh37 (hg19) VCF-style: chr13-113783855-GAA-G.
Other names: c.162_163del, p.Glu56fs (NM_001312674.2, NM_001312675.2); short protein forms E56fs.
Identifiers: ClinVar variation 1684308 (VCV001684308.1), dbSNP rs749213415, ClinGen allele CA7060366.

ClinVar aggregate classification (germline): Pathogenic (0 of 4 stars; one submission).

Conditions:
Hereditary factor X deficiency disease. Also called: Congenital factor X deficiency; STUART-PROWER FACTOR DEFICIENCY. Identifiers: Orphanet 328, MedGen C0272327, MONDO:0009212, OMIM 227600.

Submission:

ISTH-SSC Genomics in Thrombosis and Hemostasis, KU Leuven, Center for Molecular and Vascular Biology
Classification: Pathogenic for Hereditary factor X deficiency disease. Review status: no assertion criteria provided. Collection method: research. Allele origin: unknown. Affected: yes.
Comment: Submitted to GoldVariant by Dr Karyn Mégy from NIHR Bioresource - Cambridge University, UK